The following is an entry in ClinVar:

NM_014915.3(ANKRD26):c.3256G>A (p.Ala1086Thr)

Gene: ANKRD26 (ankyrin repeat domain containing 26; minus strand). Cytogenetic location: 10p12.1.
Variant type: single nucleotide variant.
Coding change: c.3256G>A on transcript NM_014915.3 (MANE Select); coding-DNA position 3256, G replaced by A.
Protein change: p.Ala1086Thr; replaces alanine 1086 with threonine.
Molecular consequence: missense variant.
Genome position (GRCh38, 1-based): chr10:27,035,194, C>T on the plus strand (G>A on the coding strand, the complement: ANKRD26 is on the minus strand). VCF-style: chr10-27035194-C-T. GRCh37 (hg19) VCF-style: chr10-27324123-C-T.
Other names: c.3253G>A, p.Ala1085Thr (NM_001256053.2); short protein forms A1085T, A1086T.
Identifiers: ClinVar variation 3913423 (VCV003913423.1).

ClinVar aggregate classification (germline): Uncertain significance (1 of 4 stars; one submission).

Conditions:
Inborn genetic diseases. Identifiers: MedGen C0950123, MeSH D030342.

gnomAD v4.1: 4 of 1,613,936 alleles (0.00025%); highest among the groups gnomAD compares: South Asian, 0.0033%; no homozygotes.

Submission:

Ambry Genetics
Classification: Uncertain significance for Inborn genetic diseases. Last evaluated: 2025-03-30. Review status: criteria provided, single submitter. Criteria: Ambry Variant Classification Scheme 2023. Collection method: clinical testing. Allele origin: germline.
Comment: The p.A1086T variant (also known as c.3256G>A), located in coding exon 24 of the ANKRD26 gene, results from a G to A substitution at nucleotide position 3256. The alanine at codon 1086 is replaced by threonine, an amino acid with similar properties. This amino acid position is conserved. In addition, this alteration is predicted to be tolerated by in silico analysis. Based on the available evidence, the clinical significance of this variant remains unclear.